The following is an entry in ClinVar:

ClinVar aggregate classification (germline): Uncertain significance (1 of 4 stars; one submission).

Submission:

Labcorp Genetics (formerly Invitae), Labcorp
Classification: Uncertain significance. Last evaluated: 2022-08-10. Review status: criteria provided, single submitter. Criteria: Invitae Variant Classification Sherloc (09022015). Collection method: clinical testing. Allele origin: germline.
Comment: In summary, the available evidence is currently insufficient to determine the role of this variant in disease. Therefore, it has been classified as a Variant of Uncertain Significance. Variants that disrupt the consensus splice site are a relatively common cause of aberrant splicing (PMID: 17576681, 9536098). Algorithms developed to predict the effect of sequence changes on RNA splicing suggest that this variant is not likely to affect RNA splicing. ClinVar contains an entry for this variant (Variation ID: 1439084). This variant has not been reported in the literature in individuals affected with TAF2-related conditions. This variant is not present in population databases (gnomAD no frequency). This sequence change falls in intron 5 of the TAF2 gene. It does not directly change the encoded amino acid sequence of the TAF2 protein. It affects a nucleotide within the consensus splice site.

Literature cited by the submitters: PubMed 17576681; PubMed 9536098.

NM_003184.4(TAF2):c.561-3T>C

Gene: TAF2 (TATA-box binding protein associated factor 2; minus strand). Cytogenetic location: 8q24.12.
Variant type: single nucleotide variant.
Coding change: c.561-3T>C on transcript NM_003184.4 (MANE Select); 3 bases into the intron before coding-DNA position 561, T replaced by C.
Molecular consequence: intron variant.
Genome position (GRCh38, 1-based): chr8:119,802,028, A>G on the plus strand (T>C on the coding strand, the complement: TAF2 is on the minus strand). VCF-style: chr8-119802028-A-G. GRCh37 (hg19) VCF-style: chr8-120814268-A-G.
Identifiers: ClinVar variation 1439084 (VCV001439084.6), dbSNP rs2131208091, ClinGen allele CA2573142803.